The following is an entry in ClinVar:

ClinVar aggregate classification (germline): Likely benign. Review status: criteria provided, multiple submitters, no conflicts (2 of 4 stars). 3 submissions from 3 submitters: Likely benign (2). 1 of the submissions does not count toward it. Last evaluated 2025-10-13.

Conditions:
RNF168-related disorder. Also called: RNF168-related condition.

Allele frequency attached by ClinVar (database versions not stated): gnomAD 0.00001.
gnomAD v4.1: 21 of 1,614,126 alleles (0.0013%); highest among the groups gnomAD compares: Middle Eastern, 0.016%; no homozygotes.

Submissions (3):

Labcorp Genetics (formerly Invitae), Labcorp
Classification: Likely benign. Last evaluated: 2025-10-13. Review status: criteria provided, single submitter. Criteria: Invitae Variant Classification Sherloc (09022015). Collection method: clinical testing. Allele origin: germline.

Blueprint Genetics
Classification: Likely benign. Last evaluated: 2020-12-13. Review status: criteria provided, single submitter. Criteria: ACMG Guidelines, 2015. Collection method: clinical testing. Allele origin: germline.

PreventionGenetics, part of Exact Sciences
Classification: Likely benign for RNF168-related condition. Last evaluated: 2019-08-21. Review status: no assertion criteria provided. Collection method: clinical testing. Allele origin: germline. Not counted in ClinVar's aggregate classification.
Comment: This variant is classified as likely benign based on ACMG/AMP sequence variant interpretation guidelines (Richards et al. 2015 PMID: 25741868, with internal and published modifications).

NM_152617.4(RNF168):c.1020G>A (p.Ser340=)

Gene: RNF168 (ring finger protein 168; minus strand). Cytogenetic location: 3q29.
Variant type: single nucleotide variant.
Coding change: c.1020G>A on transcript NM_152617.4 (MANE Select); coding-DNA position 1020, G replaced by A.
Protein change: p.Ser340=; no amino-acid change (serine 340 retained).
Molecular consequence: synonymous variant.
Genome position (GRCh38, 1-based): chr3:196,472,515, C>T on the plus strand (G>A on the coding strand, the complement: RNF168 is on the minus strand). VCF-style: chr3-196472515-C-T. GRCh37 (hg19) VCF-style: chr3-196199386-C-T.
Identifiers: ClinVar variation 3053279 (VCV003053279.5), dbSNP rs779329211, ClinGen allele CA2780748.